The following is an entry in ClinVar:

NM_018136.5(ASPM):c.3088A>G (p.Thr1030Ala)

Gene: ASPM (assembly factor for spindle microtubules; minus strand). Cytogenetic location: 1q31.3.
Variant type: single nucleotide variant.
Coding change: c.3088A>G on transcript NM_018136.5 (MANE Select); coding-DNA position 3088, A replaced by G.
Protein change: p.Thr1030Ala; replaces threonine 1030 with alanine.
Molecular consequence: missense variant.
Genome position (GRCh38, 1-based): chr1:197,124,950, T>C on the plus strand (A>G on the coding strand, the complement: ASPM is on the minus strand). VCF-style: chr1-197124950-T-C. GRCh37 (hg19) VCF-style: chr1-197094080-T-C.
Other names: c.3088A>G, p.Thr1030Ala (NM_001206846.2); short protein forms T1030A.
Identifiers: ClinVar variation 512746 (VCV000512746.1), dbSNP rs1553225949, ClinGen allele CA344044434.

ClinVar aggregate classification (germline): Likely benign (1 of 4 stars; one submission).

Allele frequency attached by ClinVar (database versions not stated): gnomAD exomes below 0.00001.
gnomAD v4.1: 3 of 1,610,698 alleles (0.00019%); highest among the groups gnomAD compares: Non-Finnish European, 0.00025%; no homozygotes.

Submission:

GeneDx
Classification: Likely benign. Last evaluated: 2017-10-24. Review status: criteria provided, single submitter. Criteria: GeneDx Variant Classification (06012015). Collection method: clinical testing. Allele origin: germline. Affected: yes.
Comment: This variant is considered likely benign or benign based on one or more of the following criteria: it is a conservative change, it occurs at a poorly conserved position in the protein, it is predicted to be benign by multiple in silico algorithms, and/or has population frequency not consistent with disease.